The following is an entry in ClinVar:

ClinVar aggregate classification (germline): Uncertain significance (1 of 4 stars; one submission).

Allele frequency attached by ClinVar (database versions not stated): TOPMed below 0.00001.
gnomAD v4.1: 12 of 1,614,032 alleles (0.00074%); highest among the groups gnomAD compares: East Asian, 0.0022%; no homozygotes.

Submission:

Labcorp Genetics (formerly Invitae), Labcorp
Classification: Uncertain significance. Last evaluated: 2023-11-20. Review status: criteria provided, single submitter. Criteria: Invitae Variant Classification Sherloc (09022015). Collection method: clinical testing. Allele origin: germline.
Comment: This sequence change replaces serine, which is neutral and polar, with leucine, which is neutral and non-polar, at codon 868 of the C5 protein (p.Ser868Leu). This variant is present in population databases (rs747585958, gnomAD 0.006%). This variant has not been reported in the literature in individuals affected with C5-related conditions. ClinVar contains an entry for this variant (Variation ID: 1509639). An algorithm developed to predict the effect of missense changes on protein structure and function (PolyPhen-2) suggests that this variant¬†is likely to be tolerated. In summary, the available evidence is currently insufficient to determine the role of this variant in disease. Therefore, it has been classified as a Variant of Uncertain Significance.

NM_001735.3(C5):c.2603C>T (p.Ser868Leu)

Gene: C5 (complement C5; minus strand). Cytogenetic location: 9q33.2.
Variant type: single nucleotide variant.
Coding change: c.2603C>T on transcript NM_001735.3 (MANE Select); coding-DNA position 2603, C replaced by T.
Protein change: p.Ser868Leu; replaces serine 868 with leucine.
Molecular consequence: missense variant.
Genome position (GRCh38, 1-based): chr9:120,997,734, G>A on the plus strand (C>T on the coding strand, the complement: C5 is on the minus strand). VCF-style: chr9-120997734-G-A. GRCh37 (hg19) VCF-style: chr9-123760012-G-A.
Other names: c.2621C>T, p.Ser874Leu (NM_001317163.2); short protein forms S874L, S868L.
Identifiers: ClinVar variation 1509639 (VCV001509639.4), dbSNP rs747585958, ClinGen allele CA5217708.